The following is an entry in ClinVar:

NM_003079.5(SMARCE1):c.1175A>G (p.Asn392Ser)

Gene: SMARCE1 (SWI/SNF related BAF chromatin remodeling complex subunit E1; minus strand). Cytogenetic location: 17q21.2.
Variant type: single nucleotide variant.
Coding change: c.1175A>G on transcript NM_003079.5 (MANE Select); coding-DNA position 1175, A replaced by G.
Protein change: p.Asn392Ser; replaces asparagine 392 with serine.
Molecular consequence: missense variant.
Genome position (GRCh38, 1-based): chr17:40,628,846, T>C on the plus strand (A>G on the coding strand, the complement: SMARCE1 is on the minus strand). VCF-style: chr17-40628846-T-C. GRCh37 (hg19) VCF-style: chr17-38785098-T-C.
Other names: short protein forms N392S.
Identifiers: ClinVar variation 3012367 (VCV003012367.3), dbSNP rs982006343, ClinGen allele CA290547452.

ClinVar aggregate classification (germline): Uncertain significance (1 of 4 stars; one submission).

Conditions:
Familial meningioma. Also called: Meningioma, familial, susceptibility to. Identifiers: Orphanet 263662, MedGen C3551915, MONDO:0011789, OMIM 607174.

Allele frequency attached by ClinVar (database versions not stated): gnomAD exomes below 0.00001; TOPMed 0.00002.
gnomAD v4.1: 1 of 1,613,916 alleles (0.000062%); highest among the groups gnomAD compares: Non-Finnish European, 0.000085%; no homozygotes.

Submission:

Labcorp Genetics (formerly Invitae), Labcorp
Classification: Uncertain significance for Familial meningioma. Last evaluated: 2024-05-08. Review status: criteria provided, single submitter. Criteria: Invitae Variant Classification Sherloc (09022015). Collection method: clinical testing. Allele origin: germline.
Comment: This sequence change replaces asparagine, which is neutral and polar, with serine, which is neutral and polar, at codon 392 of the SMARCE1 protein (p.Asn392Ser). This variant is not present in population databases (gnomAD no frequency). This variant has not been reported in the literature in individuals affected with SMARCE1-related conditions. An algorithm developed to predict the effect of missense changes on protein structure and function (PolyPhen-2) suggests that this variant is likely to be tolerated. In summary, the available evidence is currently insufficient to determine the role of this variant in disease. Therefore, it has been classified as a Variant of Uncertain Significance.